The following is an entry in ClinVar:

NM_001510.4(GRID2):c.2193+4C>T

Gene: GRID2 (glutamate ionotropic receptor delta type subunit 2; plus strand). Cytogenetic location: 4q22.2.
Variant type: single nucleotide variant.
Coding change: c.2193+4C>T on transcript NM_001510.4 (MANE Select); 4 bases into the intron after coding-DNA position 2193, C replaced by T.
Molecular consequence: intron variant.
Genome position (GRCh38, 1-based): chr4:93,515,415, C>T. VCF-style: chr4-93515415-C-T. GRCh37 (hg19) VCF-style: chr4-94436566-C-T.
Other names: c.1908+4C>T (NM_001286838.1).
Identifiers: ClinVar variation 3057774 (VCV003057774.2), dbSNP rs1208639881, ClinGen allele CA553402872.

ClinVar aggregate classification (germline): Likely benign (0 of 4 stars; one submission).

Conditions:
GRID2-related disorder. Also called: GRID2-related condition.

Allele frequency attached by ClinVar (database versions not stated): TOPMed below 0.00001; gnomAD 0.00001.
gnomAD v4.1: 9 of 1,584,036 alleles (0.00057%); highest among the groups gnomAD compares: Admixed American, 0.0017%; no homozygotes.

Submission:

PreventionGenetics, part of Exact Sciences
Classification: Likely benign for GRID2-related condition. Last evaluated: 2020-09-21. Review status: no assertion criteria provided. Collection method: clinical testing. Allele origin: germline.
Comment: This variant is classified as likely benign based on ACMG/AMP sequence variant interpretation guidelines (Richards et al. 2015 PMID: 25741868, with internal and published modifications).